The following is an entry in ClinVar:

ClinVar aggregate classification (germline): Uncertain significance (1 of 4 stars; one submission).

Allele frequency attached by ClinVar (database versions not stated): gnomAD exomes below 0.00001.
gnomAD v4.1: 1 of 1,614,208 alleles (0.000062%); highest among the groups gnomAD compares: Non-Finnish European, 0.000085%; no homozygotes.

Submission:

Labcorp Genetics (formerly Invitae), Labcorp
Classification: Uncertain significance. Last evaluated: 2023-10-22. Review status: criteria provided, single submitter. Criteria: Invitae Variant Classification Sherloc (09022015). Collection method: clinical testing. Allele origin: germline.
Comment: This sequence change replaces arginine, which is basic and polar, with lysine, which is basic and polar, at codon 613 of the IL12RB2 protein (p.Arg613Lys). This variant is present in population databases (no rsID available, gnomAD 0.0009%). This variant has not been reported in the literature in individuals affected with IL12RB2-related conditions. Algorithms developed to predict the effect of missense changes on protein structure and function output the following: SIFT: "Not Available"; PolyPhen-2: "Benign"; Align-GVGD: "Not Available". The lysine amino acid residue is found in multiple mammalian species, which suggests that this missense change does not adversely affect protein function. In summary, the available evidence is currently insufficient to determine the role of this variant in disease. Therefore, it has been classified as a Variant of Uncertain Significance.

NM_001374259.2(IL12RB2):c.1838G>A (p.Arg613Lys)

Gene: IL12RB2 (interleukin 12 receptor subunit beta 2; plus strand). Cytogenetic location: 1p31.3.
Variant type: single nucleotide variant.
Coding change: c.1838G>A on transcript NM_001374259.2 (MANE Select); coding-DNA position 1838, G replaced by A.
Protein change: p.Arg613Lys; replaces arginine 613 with lysine.
Molecular consequence: missense variant. On other transcripts: non-coding transcript variant (2).
Genome position (GRCh38, 1-based): chr1:67,380,106, G>A. VCF-style: chr1-67380106-G-A. GRCh37 (hg19) VCF-style: chr1-67845789-G-A.
Other names: c.1838G>A, p.Arg613Lys (NM_001258214.1, NM_001258216.1, NM_001319233.1 and 1 more transcripts); c.1580G>A, p.Arg527Lys (NM_001258215.1); short protein forms R527K, R613K.
Identifiers: ClinVar variation 3008881 (VCV003008881.3), dbSNP rs1190724821, ClinGen allele CA340731696.